The following is an entry in ClinVar:

NM_003321.5(TUFM):c.*300T>G

Gene: TUFM (Tu translation elongation factor, mitochondrial; minus strand). Cytogenetic location: 16p11.2.
Variant type: single nucleotide variant.
Coding change: c.*300T>G on transcript NM_003321.5 (MANE Select); 300 bases downstream of the stop codon, T replaced by G.
Molecular consequence: 3 prime UTR variant.
Genome position (GRCh38, 1-based): chr16:28,842,675, A>C on the plus strand (T>G on the coding strand, the complement: TUFM is on the minus strand). VCF-style: chr16-28842675-A-C. GRCh37 (hg19) VCF-style: chr16-28853996-A-C.
Other names: c.*300T>G (NM_001365360.2).
Identifiers: ClinVar variation 318738 (VCV000318738.7), dbSNP rs3088215, ClinGen allele CA10647278.
Genomic context (GRCh38, chr16:28,842,675, plus strand): 5'-AGGCTGAATAACGGCATCCTACTGTGTCTAGGCAATCACTAAGCTCACTGGACTTGATTT[A>C]TCCGTTAAAACTGCTCTGGGATCTCACAAGCTCCCCATCTGTCTGGGGTTCAACACCCTT-3'

ClinVar aggregate classification (germline): Benign. Review status: criteria provided, multiple submitters, no conflicts (2 of 4 stars). 3 submissions from 3 submitters: Benign (3). Last evaluated 2018-06-14.

Conditions:
Combined oxidative phosphorylation defect type 4. Identifiers: Orphanet 254925, MedGen C1857682, MONDO:0012534, OMIM 610678.

Allele frequency attached by ClinVar (database versions not stated): 1000 Genomes Project 0.26158; 1000 Genomes Project 30x 0.26780; TOPMed 0.33939; gnomAD 0.34271 and 0.34801; gnomAD exomes 0.34395.
gnomAD v4.1: 150,338 of 438,128 alleles (34%); highest among the groups gnomAD compares: Admixed American, 43%; 27,840 homozygotes.

Submissions (3):

GeneDx
Classification: Benign. Last evaluated: 2018-06-14. Review status: criteria provided, single submitter. Criteria: GeneDx Variant Classification Process June 2021. Collection method: clinical testing. Allele origin: germline. Affected: yes.

Illumina Laboratory Services, Illumina
Classification: Benign for Combined oxidative phosphorylation defect type 4. Last evaluated: 2018-01-13. Review status: criteria provided, single submitter. Criteria: ICSL Variant Classification Criteria 13 December 2019. Collection method: clinical testing. Allele origin: germline.
Comment: This variant was observed in the ICSL laboratory as part of a predisposition screen in an ostensibly healthy population. It had not been previously curated by ICSL or reported in the Human Gene Mutation Database (HGMD: prior to June 1st, 2018), and was therefore a candidate for classification through an automated scoring system. Utilizing variant allele frequency, disease prevalence and penetrance estimates, and inheritance mode, an automated score was calculated to assess if this variant is too frequent to cause the disease. Based on the score and internal cut-off values, a variant classified as benign is not then subjected to further curation. The score for this variant resulted in a classification of benign for this disease.

Breakthrough Genomics
Classification: Benign. Review status: criteria provided, single submitter. Criteria: ACMG Guidelines, 2015. Collection method: not provided. Allele origin: germline. Inheritance: Autosomal recessive inheritance. Affected: yes.